The following is an entry in ClinVar:

ClinVar aggregate classification (germline): Uncertain significance (1 of 4 stars; one submission).

Conditions:
3-methylcrotonyl-CoA carboxylase 2 deficiency. Also called: METHYLCROTONYLGLYCINURIA, TYPE II; 3 alpha methylcrotonyl-CoA carboxylase 2 deficiency; 3 alpha methylcrotonylglycinuria 2; MCC 2 deficiency; Methylcrotonylglycinuria type 2. Identifiers: Orphanet 6, MedGen C1859499, MONDO:0008862, OMIM 210210.

gnomAD v4.1: 1 of 1,609,458 alleles (0.000062%); highest among the groups gnomAD compares: Non-Finnish European, 0.000085%; no homozygotes.

Submission:

Labcorp Genetics (formerly Invitae), Labcorp
Classification: Uncertain significance for 3-methylcrotonyl-CoA carboxylase 2 deficiency. Last evaluated: 2025-02-19. Review status: criteria provided, single submitter. Criteria: Invitae Variant Classification Sherloc (09022015). Collection method: clinical testing. Allele origin: germline.
Comment: This sequence change replaces arginine, which is basic and polar, with lysine, which is basic and polar, at codon 562 of the MCCC2 protein (p.Arg562Lys). This variant is present in population databases (rs764598364, gnomAD 0.0009%). This missense change has been observed in individual(s) with clinical features of 3 methylcrotonyl-CoA carboxylase deficiency (internal data). Invitae Evidence Modeling of protein sequence and biophysical properties (such as structural, functional, and spatial information, amino acid conservation, physicochemical variation, residue mobility, and thermodynamic stability) indicates that this missense variant is expected to disrupt MCCC2 protein function with a positive predictive value of 95%. In summary, the available evidence is currently insufficient to determine the role of this variant in disease. Therefore, it has been classified as a Variant of Uncertain Significance.

NM_022132.5(MCCC2):c.1685G>A (p.Arg562Lys)

Gene: MCCC2 (methylcrotonyl-CoA carboxylase subunit 2; plus strand). Cytogenetic location: 5q13.2.
Variant type: single nucleotide variant.
Coding change: c.1685G>A on transcript NM_022132.5 (MANE Select); coding-DNA position 1685, G replaced by A.
Protein change: p.Arg562Lys; replaces arginine 562 with lysine.
Molecular consequence: missense variant.
Genome position (GRCh38, 1-based): chr5:71,656,853, G>A. VCF-style: chr5-71656853-G-A. GRCh37 (hg19) VCF-style: chr5-70952680-G-A.
Other names: c.1571G>A, p.Arg524Lys (NM_001363147.1); short protein forms R524K, R562K.
Identifiers: ClinVar variation 4708839 (VCV004708839.1).